The following is an entry in ClinVar:

ClinVar aggregate classification (germline): Uncertain significance (1 of 4 stars; one submission).

Submission:

Labcorp Genetics (formerly Invitae), Labcorp
Classification: Uncertain significance. Last evaluated: 2022-08-15. Review status: criteria provided, single submitter. Criteria: Invitae Variant Classification Sherloc (09022015). Collection method: clinical testing. Allele origin: germline.
Comment: This sequence change replaces arginine, which is basic and polar, with histidine, which is basic and polar, at codon 193 of the NYX protein (p.Arg193His). The frequency data for this variant in the population databases is considered unreliable, as metrics indicate insufficient coverage at this position in the gnomAD database. This variant has not been reported in the literature in individuals affected with NYX-related conditions. ClinVar contains an entry for this variant (Variation ID: 1515002). Algorithms developed to predict the effect of missense changes on protein structure and function are either unavailable or do not agree on the potential impact of this missense change (SIFT: "Deleterious"; PolyPhen-2: "Possibly Damaging"; Align-GVGD: "Class C0"). In summary, the available evidence is currently insufficient to determine the role of this variant in disease. Therefore, it has been classified as a Variant of Uncertain Significance.

NM_001378477.3(NYX):c.563G>A (p.Arg188His)

Gene: NYX (nyctalopin; plus strand). Cytogenetic location: Xp11.4.
Variant type: single nucleotide variant.
Coding change: c.563G>A on transcript NM_001378477.3 (MANE Select); coding-DNA position 563, G replaced by A.
Protein change: p.Arg188His; replaces arginine 188 with histidine.
Molecular consequence: missense variant.
Genome position (GRCh38, 1-based): chrX:41,474,031, G>A. VCF-style: chrX-41474031-G-A. GRCh37 (hg19) VCF-style: chrX-41333284-G-A.
Other names: c.563G>A, p.Arg188His (NM_022567.3); short protein forms R188H.
Identifiers: ClinVar variation 1515002 (VCV001515002.8), dbSNP rs771468489, ClinGen allele CA412990811.